The following is an entry in ClinVar:

NM_001876.4(CPT1A):c.1993_1995delinsT (p.Lys665fs)

Gene: CPT1A (carnitine palmitoyltransferase 1A; minus strand). Cytogenetic location: 11q13.3.
Variant type: Indel.
Coding change: c.1993_1995delinsT on transcript NM_001876.4 (MANE Select); coding-DNA positions 1993 to 1995, AAA replaced by T.
Protein change: p.Lys665fs; shifts the reading frame from lysine 665.
Molecular consequence: frameshift variant.
Genome position (GRCh38, 1-based): chr11:68,761,568-68,761,570, TTT replaced by A on the plus strand (AAA replaced by T on the coding strand, the reverse complement: CPT1A is on the minus strand). VCF-style: chr11-68761568-TTT-A. GRCh37 (hg19) VCF-style: chr11-68529036-TTT-A.
Other names: c.1993_1995delinsT, p.Lys665fs (NM_001031847.3); short protein forms K665fs.
Identifiers: ClinVar variation 1725680 (VCV001725680.2), dbSNP rs2495512604, ClinGen allele CA2580084747.
Genomic context (GRCh38, chr11:68,761,568, plus strand): 5'-CTGACGGAAGAAGTGGAAGAGACTTACTTCCTTAAGGAAAGGGGACTCCACAGCGAGATA[TTT>A]AGACACCACGTAAAGGCAGAAGAGGTGACGATCGATCCCAGAGCCGGTCATGGCGAGGCG-3'

ClinVar aggregate classification (germline): Likely pathogenic (1 of 4 stars; one submission).

Conditions:
Carnitine palmitoyl transferase 1A deficiency. Also called: CPT I DEFICIENCY; CPT DEFICIENCY, HEPATIC, TYPE I; Carnitine palmitoyltransferase type I deficiency; CPT deficiency, hepatic, type IA; Carnitine palmitoyltransferase 1A deficiency. Identifiers: Orphanet 156, MedGen C1829703, MONDO:0009705, OMIM 255120.

Submission:

Myriad Genetics, Inc.
Classification: Likely pathogenic for Carnitine palmitoyl transferase 1A deficiency. Last evaluated: 2022-03-31. Review status: criteria provided, single submitter. Criteria: Myriad Women's Health Autosomal Recessive and X-Linked Classification Criteria (2021). Collection method: clinical testing. Allele origin: unknown.
Comment: NM_001876.3(CPT1A):c.1993_1995delAAAinsT(K665Lfs*10) is expected to be pathogenic in the context of carnitine palmitoyltransferase IA deficiency. This variant is predicted to lead to an abnormal or absent protein product due to the creation of a premature termination codon in CPT1A, a gene where loss-of-function variants are known to be pathogenic. Please note: this variant was assessed in the context of healthy population screening.